The following is an entry in ClinVar:

NM_182914.3(SYNE2):c.16270A>T (p.Ile5424Phe)

Gene: SYNE2 (spectrin repeat containing nuclear envelope protein 2; plus strand). Cytogenetic location: 14q23.2.
Variant type: single nucleotide variant.
Coding change: c.16270A>T on transcript NM_182914.3 (MANE Select); coding-DNA position 16270, A replaced by T.
Protein change: p.Ile5424Phe; replaces isoleucine 5424 with phenylalanine.
Molecular consequence: missense variant.
Genome position (GRCh38, 1-based): chr14:64,162,247, A>T. VCF-style: chr14-64162247-A-T. GRCh37 (hg19) VCF-style: chr14-64628965-A-T.
Other names: c.16270A>T, p.Ile5424Phe (NM_015180.6); short protein forms I5424F.
Identifiers: ClinVar variation 1367629 (VCV001367629.8), dbSNP rs2098335261, ClinGen allele CA389958028.

ClinVar aggregate classification (germline): Uncertain significance (1 of 4 stars; one submission).

Conditions:
Emery-Dreifuss muscular dystrophy 5, autosomal dominant (EDMD5). Also called: EMERY-DREIFUSS MUSCULAR DYSTROPHY 5. Identifiers: Orphanet 261, MedGen C2751805, MONDO:0013072, OMIM 612999.

Submission:

Labcorp Genetics (formerly Invitae), Labcorp
Classification: Uncertain significance for Emery-Dreifuss muscular dystrophy 5, autosomal dominant. Last evaluated: 2022-06-20. Review status: criteria provided, single submitter. Criteria: Invitae Variant Classification Sherloc (09022015). Collection method: clinical testing. Allele origin: germline.
Comment: In summary, the available evidence is currently insufficient to determine the role of this variant in disease. Therefore, it has been classified as a Variant of Uncertain Significance. Algorithms developed to predict the effect of missense changes on protein structure and function are either unavailable or do not agree on the potential impact of this missense change (SIFT: "Tolerated"; PolyPhen-2: "Possibly Damaging"; Align-GVGD: "Class C0"). This variant has not been reported in the literature in individuals affected with SYNE2-related conditions. This variant is not present in population databases (gnomAD no frequency). This sequence change replaces isoleucine, which is neutral and non-polar, with phenylalanine, which is neutral and non-polar, at codon 5424 of the SYNE2 protein (p.Ile5424Phe).